The following is an entry in ClinVar:

NM_152443.3(RDH12):c.164C>T (p.Thr55Met)

Genes: GPHN (gephyrin; plus strand), RDH12 (retinol dehydrogenase 12; plus strand). Cytogenetic location: 14q24.1.
Variant type: single nucleotide variant.
Coding change: c.164C>T on transcript NM_152443.3 (MANE Select); coding-DNA position 164, C replaced by T.
Protein change: p.Thr55Met; replaces threonine 55 with methionine.
Molecular consequence: missense variant.
Genome position (GRCh38, 1-based): chr14:67,724,568, C>T. VCF-style: chr14-67724568-C-T. GRCh37 (hg19) VCF-style: chr14-68191285-C-T.
Other names: NP_689656.2:p.(Thr55Met); short protein forms T55M.
Identifiers: ClinVar variation 805928 (VCV000805928.61), dbSNP rs766631462, ClinGen allele CA7238616.

ClinVar aggregate classification (germline): Pathogenic/Likely pathogenic. Review status: criteria provided, multiple submitters, no conflicts (2 of 4 stars). 11 submissions from 11 submitters: Pathogenic (8); Likely pathogenic (1). 2 of the submissions do not count toward it. Last evaluated 2025-07-28.

Conditions:
RDH12-related disorder. Also called: RDH12-related condition; RDH12-related disorders.
Leber congenital amaurosis 13 (LCA13). Identifiers: MedGen C2675186, MONDO:0012990, OMIM 612712.
Leber congenital amaurosis (LCA). Also called: Leber's amaurosis. Identifiers: Orphanet 65, MedGen C0339527, MeSH D057130, MONDO:0018998.

Allele frequency attached by ClinVar (database versions not stated): TOPMed 0.00002; ExAC 0.00003; gnomAD exomes 0.00003; 1000 Genomes Project 30x 0.00016.
gnomAD v4.1: 44 of 1,613,550 alleles (0.0027%); highest among the groups gnomAD compares: East Asian, 0.0067%; no homozygotes.

Submissions (11):

Natera, Inc.
Classification: Pathogenic for Leber congenital amaurosis. Last evaluated: 2025-07-28. Review status: criteria provided, single submitter. Criteria: Natera Variant Classification Schema (03/2026). Collection method: clinical testing. Allele origin: germline.
Comment: The c.164C>T variant in RDH12 is a missense variant predicted to cause substitution of threonine to methionine at amino acid 55. This variant is rare in the general population with a frequency below the threshold expected for the associated phenotype(s). This variant has been observed in one or more individuals affected with the associated recessive disease, as either homozygous or compound heterozygous with a second variant (PMID: 36909829, 23847139, 32014858, 16269441, 35006499). Functional studies show that this variant may disrupt protein function (PMID: 16269441). Computational prediction algorithms indicate this variant is likely to affect gene or protein function. Given the available evidence, this variant is classified as Pathogenic.

Labcorp Genetics (formerly Invitae), Labcorp
Classification: Pathogenic for Leber congenital amaurosis 13. Last evaluated: 2025-06-10. Review status: criteria provided, single submitter. Criteria: Invitae Variant Classification Sherloc (09022015). Collection method: clinical testing. Allele origin: germline.
Comment: This sequence change replaces threonine, which is neutral and polar, with methionine, which is neutral and non-polar, at codon 55 of the RDH12 protein (p.Thr55Met). This variant is present in population databases (rs766631462, gnomAD 0.01%). This missense change has been observed in individual(s) with Leber congenital amaurosis or retinitis pigmentosa (PMID: 16269441, 23847139, 31814694). In at least one individual the data is consistent with being in trans (on the opposite chromosome) from a pathogenic variant. ClinVar contains an entry for this variant (Variation ID: 805928). Invitae Evidence Modeling of protein sequence and biophysical properties (such as structural, functional, and spatial information, amino acid conservation, physicochemical variation, residue mobility, and thermodynamic stability) has been performed for this missense variant. However, the output from this modeling did not meet the statistical confidence thresholds required to predict the impact of this variant on RDH12 protein function. Experimental studies have shown that this missense change affects RDH12 function (PMID: 16269441). This variant disrupts the p.Thr55 amino acid residue in RDH12. Other variant(s) that disrupt this residue have been observed in individuals with RDH12-related conditions (PMID: 28471114), which suggests that this may be a clinically significant amino acid residue. For these reasons, this variant has been classified as Pathogenic.

Women's Health and Genetics/Laboratory Corporation of America, LabCorp
Classification: Pathogenic for Leber congenital amaurosis. Last evaluated: 2024-09-09. Review status: criteria provided, single submitter. Criteria: LabCorp Variant Classification Summary - May 2015. Collection method: clinical testing. Allele origin: germline.
Comment: Variant summary: RDH12 c.164C>T (p.Thr55Met) results in a non-conservative amino acid change in the encoded protein sequence. Five of five in-silico tools predict a damaging effect of the variant on protein function. The variant allele was found at a frequency of 2.4e-05 in 251482 control chromosomes. c.164C>T has been reported in the literature in multiple homozygous and compound heterozygous individuals affected with Leber Congenital Amaurosis or Retinitis Pigmentosa (Wang_2013, Jin_2022, Huang_2016, Peters_2023, Griffith_2022). These data indicate that the variant is very likely to be associated with disease. At least one publication reports experimental evidence evaluating an impact on protein function (hompson_2005). The most pronounced variant effect results in <10% of normal activity in an in vitro cellular assay. The following publications have been ascertained in the context of this evaluation (PMID: 36011402, 26992781, 21217109, 36909829, 16269441, 23847139, 26848971). ClinVar contains an entry for this variant (Variation ID: 805928). Based on the evidence outlined above, the variant was classified as pathogenic.

GeneDx
Classification: Pathogenic. Last evaluated: 2024-08-19. Review status: criteria provided, single submitter. Criteria: GeneDx Variant Classification Process June 2021. Collection method: clinical testing. Allele origin: germline. Affected: yes.
Comment: Published functional studies demonstrate a damaging effect with impaired enzyme activity (PMID: 16269441); In silico analysis supports that this missense variant has a deleterious effect on protein structure/function; This variant is associated with the following publications: (PMID: 17197551, 35006499, 21217109, 21602930, 20079931, 28704127, 16269441, 26992781, 27375279, 26848971, 23847139, 31456290, 31964843, 36690427, 31814694, 32531858, 36011402, 36909829)

Fulgent Genetics
Classification: Pathogenic for Leber congenital amaurosis 13. Last evaluated: 2024-06-11. Review status: criteria provided, single submitter. Criteria: ACMG Guidelines, 2015. Collection method: clinical testing. Allele origin: germline.

Blueprint Genetics
Classification: Pathogenic for RDH12-related disorders. Last evaluated: 2023-09-15. Review status: criteria provided, single submitter. Criteria: ACMG Guidelines, 2015. Collection method: clinical testing. Allele origin: germline. Affected: yes. Observed: 5 variant alleles.

Ophthalmic Genetics Group, Institute of Molecular and Clinical Ophthalmology Basel
Classification: Pathogenic for Leber congenital amaurosis. Last evaluated: 2023-07-24. Review status: criteria provided, single submitter. Criteria: ACMG Guidelines, 2015. Collection method: research. Allele origin: germline. Affected: yes. Observed: 1 variant allele.
Comment: Clinical significance based on ACMG v2.0

This variant was classified as Pathogenic based on ACMG criteria: PP5, PP3, PM2, PP2.

Broad Center for Mendelian Genomics, Broad Institute of MIT and Harvard
Classification: Likely pathogenic for Leber congenital amaurosis 13. Last evaluated: 2020-05-29. Review status: criteria provided, single submitter. Criteria: ACMG Guidelines, 2015. Collection method: research. Allele origin: germline. Inheritance: Autosomal recessive inheritance.
Comment: Please note that this variant has been identified by a collaborative research study and was also be submitted by Massachusetts Eye and Ear. The p.Thr55Met variant has also been reported in an additional individual with leber congenital amaurosis (PMID: 16269441), and it was confirmed to be in trans with a pathogenic variant in that reported individual, which increases the likelihood that the p.Thr55Met variant is pathogenic (PMID: 16269441). This variant has been identified in 0.011% (2/18392) of East Asian chromosomes by the Genome Aggregation Database (gnomAD). Although this variant has been seen in the general population, its frequency is not high enough to rule out a pathogenic role. This variant has also been reported in ClinVar as pathogenic by Sharon lab, Hadassah-Hebrew University Medical Center and likely pathogenic by Ocular Genomics Institute, Massachusetts Eye and Ear (Variation ID: 805928). In vitro functional studies provide some evidence that the p.Thr55Met variant may slightly impact protein function (PMID: 16269441). However, these types of assays may not accurately represent biological function. Computational prediction tools and conservation analyses suggest that this variant may impact the protein, though this information is not predictive enough to determine pathogenicity. The p.Thr55Met variant is located in a region of RDH12 that is essential to protein folding and stability, suggesting that this variant is in a functional domain and slightly supports pathogenicity (PMID: 32014858).In summary, although additional studies are required to fully establish its clinical significance, this variant is likely pathogenic for autosomal recessive Leber congenital amaurosis. ACMG/AMP Criteria applied: PP3, PM1_supporting, PM3_strong, PS3_supporting (Richards 2015).

CeGaT Center for Human Genetics Tuebingen
Classification: Pathogenic. Last evaluated: 2016-10-01. Review status: criteria provided, single submitter. Criteria: CeGaT Center For Human Genetics Tuebingen Variant Classification Criteria Version 2. Collection method: clinical testing. Allele origin: germline. Affected: yes. Observed: 1 variant allele.

Ocular Genomics Institute, Massachusetts Eye and Ear
Classification: Likely pathogenic for Leber congenital amaurosis 13. Last evaluated: 2019-08-01. Review status: no assertion criteria provided. Collection method: clinical testing. Allele origin: germline. Affected: yes. Observed: 1 variant allele. Not counted in ClinVar's aggregate classification.

Sharon lab, Hadassah-Hebrew University Medical Center
Classification: Pathogenic for Leber congenital amaurosis. Last evaluated: 2019-06-23. Review status: no assertion criteria provided. Collection method: research. Allele origin: inherited. Affected: yes. Not counted in ClinVar's aggregate classification.

Literature cited by the submitters: PubMed 36909829 (cited by 3 submitters); PubMed 23847139 (cited by 3 submitters); PubMed 32014858 (cited by Natera, Inc. and Broad Center for Mendelian Genomics, Broad Institute of MIT and Harvard); PubMed 16269441 (cited by 4 submitters); PubMed 35006499 (cited by Natera, Inc.); PubMed 31814694 (cited by Labcorp Genetics (formerly Invitae), Labcorp); PubMed 28471114 (cited by Labcorp Genetics (formerly Invitae), Labcorp); PubMed 26992781 (cited by Women's Health and Genetics/Laboratory Corporation of America, LabCorp); PubMed 26848971 (cited by Women's Health and Genetics/Laboratory Corporation of America, LabCorp); PubMed 36011402 (cited by Women's Health and Genetics/Laboratory Corporation of America, LabCorp); PubMed 21217109 (cited by Women's Health and Genetics/Laboratory Corporation of America, LabCorp).